The following is an entry in ClinVar:

ClinVar aggregate classification (germline): Uncertain significance. Review status: criteria provided, multiple submitters, no conflicts (2 of 4 stars). 2 submissions from 2 submitters: Uncertain significance (2). Last evaluated 2022-02-13.

Conditions:
Hereditary cancer-predisposing syndrome. Also called: Neoplastic Syndromes, Hereditary; Tumor predisposition; Hereditary Cancer Syndrome; Hereditary neoplastic syndrome. Identifiers: Orphanet 140162, MedGen C0027672, MeSH D009386, MONDO:0015356.
Familial adenomatous polyposis 1 (FAP1). Also called: FAMILIAL ADENOMATOUS POLYPOSIS 1, ATTENUATED; POLYPOSIS, ADENOMATOUS INTESTINAL. Identifiers: MedGen C2713442, MONDO:0021056, OMIM 175100. Disease mechanism: loss of function.

Submissions (2):

Labcorp Genetics (formerly Invitae), Labcorp
Classification: Uncertain significance for Familial adenomatous polyposis 1. Last evaluated: 2022-02-13. Review status: criteria provided, single submitter. Criteria: Invitae Variant Classification Sherloc (09022015). Collection method: clinical testing. Allele origin: germline.
Comment: In summary, the available evidence is currently insufficient to determine the role of this variant in disease. Therefore, it has been classified as a Variant of Uncertain Significance. Experimental studies and prediction algorithms are not available or were not evaluated, and the functional significance of this variant is currently unknown. This variant has not been reported in the literature in individuals affected with APC-related conditions. This variant is present in population databases (rs766306543, gnomAD 0.003%). This variant, c.8230_8232del, results in the deletion of 1 amino acid(s) of the APC protein (p.Asn2744del), but otherwise preserves the integrity of the reading frame.

Ambry Genetics
Classification: Uncertain significance for Hereditary cancer-predisposing syndrome. Last evaluated: 2015-09-11. Review status: criteria provided, single submitter. Criteria: Ambry Variant Classification Scheme 2023. Collection method: clinical testing. Allele origin: germline.
Comment: The c.8230_8232delAAT variant (also known as p.N2744del) is located in coding exon 15 of the APC gene. This variant results from an in-frame deletion of 3 nucleotides at positions 8230 to 8232, causing the removal of a well conserved asparagine residue at codon 2744. This variant was not reported in population based cohorts in the following databases: Database of Single Nucleotide Polymorphisms (dbSNP), NHLBI Exome Sequencing Project (ESP), and 1000 Genomes Project. In the ESP, this variant was not observed in 6502 samples (13004 alleles) with coverage at this position. To date, this alteration has been detected with an allele frequency of approximately 0.003% (greater than 32000 alleles tested) in our clinical cohort. Since supporting evidence is limited at this time, the clinical significance of c.8230_8232delAAT remains unclear.

NM_000038.6(APC):c.8227AAT[1] (p.Asn2744del)

Gene: APC (APC regulator of Wnt signaling pathway; plus strand). Cytogenetic location: 5q22.2.
Variant type: Microsatellite.
Coding change: c.8227AAT[1] on transcript NM_000038.6 (MANE Select); one copy of the 3-base unit AAT starting at c.8227; the reference has two copies in a row; one copy, 3 bases deleted.
Protein change: p.Asn2744del; deletes asparagine 2744.
Molecular consequence: inframe deletion.
Genome position (GRCh38, 1-based): chr5:112,843,824-112,843,826, AAT deleted; deleting any 3 consecutive bases within chr5:112,843,821-112,843,826 gives the same sequence; the position shown is the placement nearest the transcript's 3' end. VCF-style (leftmost placement, unchanged base first): chr5-112843820-AAAT-A. GRCh37 (hg19) VCF-style: chr5-112179517-AAAT-A.
Other names: c.8227AAT[1], p.Asn2744del (NM_001127510.3, NM_001354895.2); c.8173AAT[1], p.Asn2726del (NM_001127511.3); c.8281AAT[1], p.Asn2762del (NM_001354896.2); c.8257AAT[1], p.Asn2754del (NM_001354897.2); c.8152AAT[1], p.Asn2719del (NM_001354898.2); c.8143AAT[1], p.Asn2716del (NM_001354899.2); c.8104AAT[1], p.Asn2703del (NM_001354900.2); c.8050AAT[1], p.Asn2685del (NM_001354901.2); and 5 more; short protein forms N2461del, N2584del, N2618del, N2643del, N2653del, N2685del, N2703del, N2716del.
Identifiers: ClinVar variation 1025709 (VCV001025709.12), dbSNP rs766306543, ClinGen allele CA050220.